The following is an entry in ClinVar:

ClinVar aggregate classification (germline): Uncertain significance (1 of 4 stars; one submission).

Allele frequency attached by ClinVar (database versions not stated): gnomAD exomes 0.00001 and 0.00002; ExAC 0.00002; gnomAD 0.00002 and 0.00003; TOPMed 0.00003; ESP Exome Variant Server 0.00008.
gnomAD v4.1: 15 of 1,613,992 alleles (0.00093%); highest among the groups gnomAD compares: South Asian, 0.0044%; no homozygotes.

Submission:

Labcorp Genetics (formerly Invitae), Labcorp
Classification: Uncertain significance. Last evaluated: 2025-05-04. Review status: criteria provided, single submitter. Criteria: Invitae Variant Classification Sherloc (09022015). Collection method: clinical testing. Allele origin: germline.
Comment: This sequence change replaces cysteine, which is neutral and slightly polar, with phenylalanine, which is neutral and non-polar, at codon 649 of the NLRP1 protein (p.Cys649Phe). This variant is present in population databases (rs149910442, gnomAD 0.008%). This variant has not been reported in the literature in individuals affected with NLRP1-related conditions. ClinVar contains an entry for this variant (Variation ID: 1517213). An algorithm developed to predict the effect of missense changes on protein structure and function (PolyPhen-2) suggests that this variant is likely to be tolerated. In summary, the available evidence is currently insufficient to determine the role of this variant in disease. Therefore, it has been classified as a Variant of Uncertain Significance.

NM_033004.4(NLRP1):c.1946G>T (p.Cys649Phe)

Gene: NLRP1 (NLR family pyrin domain containing 1; minus strand). Cytogenetic location: 17p13.2.
Variant type: single nucleotide variant.
Coding change: c.1946G>T on transcript NM_033004.4 (MANE Select); coding-DNA position 1946, G replaced by T.
Protein change: p.Cys649Phe; replaces cysteine 649 with phenylalanine.
Molecular consequence: missense variant.
Genome position (GRCh38, 1-based): chr17:5,558,750, C>A on the plus strand (G>T on the coding strand, the complement: NLRP1 is on the minus strand). VCF-style: chr17-5558750-C-A. GRCh37 (hg19) VCF-style: chr17-5462070-C-A.
Other names: c.1946G>T, p.Cys649Phe (NM_001033053.3, NM_014922.5, NM_033006.4 and 1 more transcripts); short protein forms C649F.
Identifiers: ClinVar variation 1517213 (VCV001517213.8), dbSNP rs149910442, ClinGen allele CA8327299.